The following is an entry in ClinVar:

NC_012920.1(MT-TS1):m.7502C>T

Gene: MT-TS1 (mitochondrially encoded tRNA serine 1 (UCN); minus strand).
Variant type: single nucleotide variant.
Genome position: chrM-7502-C-T.
Identifiers: ClinVar variation 228859 (VCV000228859.6), dbSNP rs876657868, ClinGen allele CA10577185.

ClinVar aggregate classification (germline): Uncertain significance. Review status: reviewed by expert panel (3 of 4 stars). 3 submissions from 3 submitters: Uncertain significance (1). 2 of the submissions do not count toward it. Last evaluated 2023-07-24.

Conditions:
Mitochondrial disease. Also called: Mitochondrial disorder; Mitochondrial disorders. Identifiers: Orphanet 68380, MedGen C0751651, MeSH D028361, MONDO:0044970.
MELAS syndrome (MELAS). Also called: Juvenile myopathy, encephalopathy, lactic acidosis, stroke. Identifiers: Orphanet 550, MedGen C0162671, MONDO:0010789, OMIM 540000.

Submissions (3):

ClinGen Mitochondrial Disease Nuclear and Mitochondrial  Variant Curation Expert Panel, ClinGen
Classification: Uncertain significance for Mitochondrial disease. Last evaluated: 2023-07-24. Review status: reviewed by expert panel. Criteria: McCormick et al. (Hum Mutat. 2020). Collection method: curation. Allele origin: germline. Inheritance: Mitochondrial inheritance.
Comment: The m.7502C>T variant in MT-TS1 was reviewed by the Mitochondrial Disease Nuclear and Mitochondrial Variant Curation Expert Panel on July 24, 2023. There are no individuals or families with primary mitochondrial disease with this variant reported in the medical literature to our knowledge. Other features were not reported and other genetic etiologies were not assessed. There are several occurrences in population databases. This variant is present in 0.007% of individuals in GenBank MITOMAP sequences, in 0.009% of individuals in gnomAD v3.1.2 (homoplasmic in all five individuals), and in 0.004% of individuals in the Helix dataset (six homoplasmic occurrences, one heteroplasmic). MitoTIP suggests this variant is benign (8.2 percentile) and HmtVAR predicts it to be polymorphic (0.1; BP4). There are no cybrid, single fiber, or other studies reported for this variant. In summary, this variant meets criteria to be classified as uncertain significance for primary mitochondrial disease inherited in a mitochondrial manner. This classification was approved by the NICHD/NINDS U24 ClinGen Mitochondrial Disease Variant Curation Expert Panel on July 24, 2023. Mitochondrial DNA-specific ACMG/AMP criteria applied (PMID: 32906214): BP4.

Wong Mito Lab, Molecular and Human Genetics, Baylor College of Medicine
Classification: Likely benign for MELAS syndrome. Last evaluated: 2019-07-12. Review status: criteria provided, single submitter. Criteria: Modified ACMG Guidelines (Unpublished). Collection method: clinical testing. Allele origin: germline. Not counted in ClinVar's aggregate classification.
Comment: The NC_012920.1:m.7502C>T variant in MT-TS1 gene is interpreted to be a Likely Benign variant based on the modified ACMG guidelines (unpublished). This variant meets the following evidence codes reported in the guidelines: BS2, BP4, BP6

Laboratory for Molecular Medicine, Mass General Brigham Personalized Medicine
Classification: Uncertain significance. Last evaluated: 2016-04-07. Review status: criteria provided, single submitter. Criteria: LMM Criteria. Collection method: clinical testing. Allele origin: germline. Observed: 1 variant allele. Not counted in ClinVar's aggregate classification.
Comment: The m.7502C>T variant in MT-TS1 has not been previously reported in individuals with hearing loss. This variant has been identified in 3/30589 human mitochondri al DNA sequences of various ancestries. In summary, the clinical significance of the m.7502C>T variant is uncertain.

Literature cited by the submitters: PubMed 31965079 (cited by Wong Mito Lab, Molecular and Human Genetics, Baylor College of Medicine).